The following is an entry in ClinVar:

NM_080732.4(EGLN2):c.146A>C (p.His49Pro)

Genes: RAB4B-EGLN2 (RAB4B-EGLN2 readthrough (NMD candidate); plus strand), EGLN2 (egl-9 family hypoxia inducible factor 2; plus strand). Cytogenetic location: 19q13.2.
Variant type: single nucleotide variant.
Coding change: c.146A>C on transcript NM_080732.4 (MANE Select); coding-DNA position 146, A replaced by C.
Protein change: p.His49Pro; replaces histidine 49 with proline.
Molecular consequence: missense variant. On other transcripts: non-coding transcript variant (1).
Genome position (GRCh38, 1-based): chr19:40,800,718, A>C. VCF-style: chr19-40800718-A-C. GRCh37 (hg19) VCF-style: chr19-41306623-A-C.
Other names: c.146A>C, p.His49Pro (NM_053046.4); short protein forms H49P.
Identifiers: ClinVar variation 1773317 (VCV001773317.2), dbSNP rs1204978343, ClinGen allele CA405954653.

ClinVar aggregate classification (germline): Uncertain significance (1 of 4 stars; one submission).

Allele frequency attached by ClinVar (database versions not stated): gnomAD exomes below 0.00001.
gnomAD v4.1: 1 of 1,613,820 alleles (0.000062%); highest among the groups gnomAD compares: South Asian, 0.0011%; no homozygotes.

Submission:

Ambry Genetics
Classification: Uncertain significance. Last evaluated: 2022-04-11. Review status: criteria provided, single submitter. Criteria: Ambry Variant Classification Scheme 2023. Collection method: clinical testing. Allele origin: germline.
Comment: The p.H49P variant (also known as c.146A>C), located in coding exon 1 of the EGLN2 gene, results from an A to C substitution at nucleotide position 146. The histidine at codon 49 is replaced by proline, an amino acid with similar properties. This amino acid position is conserved. In addition, this alteration is predicted to be tolerated by in silico analysis. Since supporting evidence is limited at this time, the clinical significance of this alteration remains unclear.